The following is an entry in ClinVar:

NM_000342.4(SLC4A1):c.1866_1867dup (p.Phe623fs)

Gene: SLC4A1 (solute carrier family 4 member 1 (Diego blood group); minus strand). Cytogenetic location: 17q21.31.
Variant type: Duplication.
Coding change: c.1866_1867dup on transcript NM_000342.4 (MANE Select); coding-DNA positions 1866 to 1867, 2 bases duplicated (CT; older notation c.1866_1867dupCT).
Protein change: p.Phe623fs; shifts the reading frame from phenylalanine 623.
Molecular consequence: frameshift variant.
Genome position (GRCh38, 1-based): chr17:44,255,230-44,255,231, AG duplicated on the plus strand (CT on the coding strand, the reverse complement: SLC4A1 is on the minus strand); duplicating any 2 consecutive bases within chr17:44,255,230-44,255,232 gives the same sequence; the c. name uses the placement nearest the transcript's 3' end. VCF-style (leftmost placement, unchanged base first): chr17-44255229-A-AAG. GRCh37 (hg19) VCF-style: chr17-42332597-A-AAG.
Other names: short protein forms F623fs.
Identifiers: ClinVar variation 3899236 (VCV003899236.1).
Genomic context (GRCh38, chr17:44,255,229, plus strand): 5'-GGGGGTATCATGGTCTGAGGGCTGGGAGGAGGGGTCACCTGGGTGTAGGTATCCTGAATG[A>AAG]AGAAATCCACCAGGACCATGATCAGGATGGAGATGGGGACCCCGAAGTCCCCGATGACCC-3'

ClinVar aggregate classification (germline): Likely pathogenic (0 of 4 stars; one submission).

Conditions:
Hereditary spherocytosis type 4. Also called: SLC4A1-Related Spherocytosis. Identifiers: Orphanet 822, MedGen C2675212, MONDO:0012981, OMIM 612653.

Submission:

Diagnostics Centre, Carl Von Ossietzky University Oldenburg
Classification: Likely pathogenic for Hereditary spherocytosis type 4. Last evaluated: 2024-08-01. Review status: no assertion criteria provided. Collection method: clinical testing. Allele origin: germline. Affected: yes. Observed: 1 variant allele.
Comment: The variant results in a frameshift at protein position 623 and the formation of a premature stop codon after 42 amino acids. The variant affects an exon [15/20] present in biologically relevant transcript and is predicted to cause protein truncation/absent due to nonsense mediated decay in a gene where loss-of-function is a known mechanism of disease. The variant has not yet been described in ClinVar. The variant is classified as very rare since it is absent in gnomAD v4.1.0. In summary, the variant is classified as likely pathogenic.